The following is an entry in ClinVar:

NM_021978.4(ST14):c.1255A>G (p.Thr419Ala)

Gene: ST14 (ST14 transmembrane serine protease matriptase; plus strand). Cytogenetic location: 11q24.3.
Variant type: single nucleotide variant.
Coding change: c.1255A>G on transcript NM_021978.4 (MANE Select); coding-DNA position 1255, A replaced by G.
Protein change: p.Thr419Ala; replaces threonine 419 with alanine.
Molecular consequence: missense variant.
Genome position (GRCh38, 1-based): chr11:130,196,601, A>G. VCF-style: chr11-130196601-A-G. GRCh37 (hg19) VCF-style: chr11-130066496-A-G.
Other names: short protein forms T419A.
Identifiers: ClinVar variation 1810493 (VCV001810493.4), dbSNP rs142076966, ClinGen allele CA6363989.

ClinVar aggregate classification (germline): Uncertain significance. Review status: criteria provided, multiple submitters, no conflicts (2 of 4 stars). 2 submissions from 2 submitters: Uncertain significance (2). Last evaluated 2022-08-08.

Conditions:
Inborn genetic diseases. Identifiers: MedGen C0950123, MeSH D030342.

Allele frequency attached by ClinVar (database versions not stated): ExAC 0.00006; gnomAD 0.00018; ESP Exome Variant Server 0.00038.
gnomAD v4.1: 59 of 1,612,038 alleles (0.0037%); highest among the groups gnomAD compares: African/African-American, 0.069%; no homozygotes.

Submissions (2):

Ambry Genetics
Classification: Uncertain significance for Inborn genetic diseases. Last evaluated: 2022-08-08. Review status: criteria provided, single submitter. Criteria: Ambry Variant Classification Scheme 2023. Collection method: clinical testing. Allele origin: germline.

GeneDx
Classification: Uncertain significance. Last evaluated: 2022-07-06. Review status: criteria provided, single submitter. Criteria: GeneDx Variant Classification Process June 2021. Collection method: clinical testing. Allele origin: germline. Affected: yes.
Comment: In silico analysis supports that this missense variant does not alter protein structure/function; Has not been previously published as pathogenic or benign to our knowledge